The following is an entry in ClinVar:

ClinVar aggregate classification (germline): Likely pathogenic (1 of 4 stars; one submission).

Conditions:
Hypertrophic cardiomyopathy 26. Also called: Cardiomyopathy, familial hypertrophic, 26. Identifiers: Orphanet 75249, MedGen C4310749, MONDO:0014883, OMIM 617047.

Submission:

3billion
Classification: Likely pathogenic for Hypertrophic cardiomyopathy 26. Last evaluated: 2023-08-25. Review status: criteria provided, single submitter. Criteria: ACMG Guidelines, 2015. Collection method: clinical testing. Allele origin: germline. Affected: yes.
Comment: The variant is not observed in the gnomAD v2.1.1 dataset. Predicted Consequence/Location: Frameshift: predicted to result in a loss or disruption of normal protein function through nonsense-mediated decay (NMD) or protein truncation. Multiple pathogenic variants are reported downstream of the variant. Therefore, this variant is classified as Likely pathogenic according to the recommendation of ACMG/AMP guideline.

NM_001458.5(FLNC):c.3279del (p.Gly1094fs)

Gene: FLNC (filamin C; plus strand). Cytogenetic location: 7q32.1.
Variant type: Deletion.
Coding change: c.3279del on transcript NM_001458.5 (MANE Select); coding-DNA position 3279, one base deleted (T; older notation c.3279delT).
Protein change: p.Gly1094fs; shifts the reading frame from glycine 1094.
Molecular consequence: frameshift variant.
Genome position (GRCh38, 1-based): chr7:128,844,744, T deleted. VCF-style (leftmost placement, unchanged base first): chr7-128844743-GT-G. GRCh37 (hg19) VCF-style: chr7-128484797-GT-G.
Other names: c.3279del, p.Gly1094fs (NM_001127487.2); short protein forms G1094fs.
Identifiers: ClinVar variation 3775948 (VCV003775948.1).
Genomic context (GRCh38, chr7:128,844,743, plus strand): 5'-AGGGTGGACTGGTAGGCACCCCCGCGCCATTCTCCATCGACACCAAGGGGGCTGGCACAG[GT>G]GGCCTGGGGCTGACCGTAGAGGGCCCCTGCGAGGCCAAGATCGAGTGCCAGGACAATGGT-3'